The following is an entry in ClinVar:

NM_001190737.2(NFIB):c.1259G>A (p.Gly420Asp)

Gene: NFIB (nuclear factor I B; minus strand). Cytogenetic location: 9p23.
Variant type: single nucleotide variant.
Coding change: c.1259G>A on transcript NM_001190737.2 (MANE Select); coding-DNA position 1259, G replaced by A.
Protein change: p.Gly420Asp; replaces glycine 420 with aspartic acid.
Molecular consequence: missense variant. On other transcripts: intron variant (18).
Genome position (GRCh38, 1-based): chr9:14,116,333, C>T on the plus strand (G>A on the coding strand, the complement: NFIB is on the minus strand). VCF-style: chr9-14116333-C-T. GRCh37 (hg19) VCF-style: chr9-14116332-C-T.
Other names: c.503G>A, p.Gly168Asp (NM_001282787.2); c.1325G>A, p.Gly442Asp (NM_001369458.1, NM_001369459.1); c.1247G>A, p.Gly416Asp (NM_001369460.1, NM_001369463.1); c.1259G>A, p.Gly420Asp (NM_001369461.1, NM_001429577.1); c.1232G>A, p.Gly411Asp (NM_001369465.1); c.1022G>A, p.Gly341Asp (NM_001369470.1); c.1245+4107G>A (NM_005596.3, NM_001369464.1); c.1311+4107G>A (NM_001369468.1, NM_001369462.1); and 11 more; short protein forms G168D, G341D, G411D, G416D, G420D, G442D.
Identifiers: ClinVar variation 3344465 (VCV003344465.1).

ClinVar aggregate classification (germline): Uncertain significance (0 of 4 stars; one submission).

Conditions:
NFIB-related disorder. Also called: NFIB-related condition.

Submission:

PreventionGenetics, part of Exact Sciences
Classification: Uncertain significance for NFIB-related condition. Last evaluated: 2024-05-09. Review status: no assertion criteria provided. Collection method: clinical testing. Allele origin: germline.
Comment: The NFIB c.1259G>A variant is predicted to result in the amino acid substitution p.Gly420Asp. To our knowledge, this variant has not been reported in the literature. This variant is reported in 0.0021% of alleles in individuals of European (Non-Finnish) descent in gnomAD. At this time, the clinical significance of this variant is uncertain due to the absence of conclusive functional and genetic evidence.